The following is an entry in ClinVar:

NM_031935.3(HMCN1):c.9397A>G (p.Ile3133Val)

Gene: HMCN1 (hemicentin 1; plus strand). Cytogenetic location: 1q31.1.
Variant type: single nucleotide variant.
Coding change: c.9397A>G on transcript NM_031935.3 (MANE Select); coding-DNA position 9397, A replaced by G.
Protein change: p.Ile3133Val; replaces isoleucine 3133 with valine.
Molecular consequence: missense variant.
Genome position (GRCh38, 1-based): chr1:186,087,965, A>G. VCF-style: chr1-186087965-A-G. GRCh37 (hg19) VCF-style: chr1-186057097-A-G.
Other names: short protein forms I3133V.
Identifiers: ClinVar variation 100600 (VCV000100600.19), dbSNP rs79178888, ClinGen allele CA228943.

ClinVar aggregate classification (germline): Benign/Likely benign. Review status: criteria provided, multiple submitters, no conflicts (2 of 4 stars). 7 submissions from 7 submitters: Benign (4); Likely benign (1). 2 of the submissions do not count toward it. Last evaluated 2026-01-25.

Conditions:
HMCN1-related disorder. Also called: HMCN1-related condition.
Age related macular degeneration 1 (ARMD1). Also called: MACULOPATHY, AGE-RELATED, 1. Identifiers: MedGen C1864205, MONDO:0011285, OMIM 603075.

Allele frequency attached by ClinVar (database versions not stated): gnomAD exomes 0.00068 and 0.00181; ExAC 0.00224; gnomAD 0.00769 and 0.00827; ESP Exome Variant Server 0.00861; TOPMed 0.00887; 1000 Genomes Project 0.00998; 1000 Genomes Project 30x 0.01031.
gnomAD v4.1: 2,185 of 1,613,130 alleles (0.14%); highest among the groups gnomAD compares: African/African-American, 2.7%; 26 homozygotes.

Submissions (7):

Labcorp Genetics (formerly Invitae), Labcorp
Classification: Benign. Last evaluated: 2026-01-25. Review status: criteria provided, single submitter. Criteria: Invitae Variant Classification Sherloc (09022015). Collection method: clinical testing. Allele origin: germline.

Blueprint Genetics
Classification: Likely benign. Last evaluated: 2024-10-18. Review status: criteria provided, single submitter. Criteria: ACMG Guidelines, 2015. Collection method: clinical testing. Allele origin: germline.

Genome-Nilou Lab
Classification: Benign for Age related macular degeneration 1. Last evaluated: 2023-04-11. Review status: criteria provided, single submitter. Criteria: ACMG Guidelines, 2015. Collection method: clinical testing. Allele origin: germline. Affected: no.

Illumina Laboratory Services, Illumina
Classification: Benign for Age related macular degeneration 1. Last evaluated: 2018-01-13. Review status: criteria provided, single submitter. Criteria: ICSL Variant Classification Criteria 13 December 2019. Collection method: clinical testing. Allele origin: germline.
Comment: This variant was observed in the ICSL laboratory as part of a predisposition screen in an ostensibly healthy population. It had not been previously curated by ICSL or reported in the Human Gene Mutation Database (HGMD: prior to June 1st, 2018), and was therefore a candidate for classification through an automated scoring system. Utilizing variant allele frequency, disease prevalence and penetrance estimates, and inheritance mode, an automated score was calculated to assess if this variant is too frequent to cause the disease. Based on the score and internal cut-off values, a variant classified as benign is not then subjected to further curation. The score for this variant resulted in a classification of benign for this disease.

Breakthrough Genomics
Classification: Benign. Review status: criteria provided, single submitter. Criteria: ACMG Guidelines, 2015. Collection method: not provided. Allele origin: germline. Inheritance: Autosomal dominant inheritance. Affected: yes.

PreventionGenetics, part of Exact Sciences
Classification: Benign for HMCN1-related condition. Last evaluated: 2019-05-02. Review status: no assertion criteria provided. Collection method: clinical testing. Allele origin: germline. Not counted in ClinVar's aggregate classification.
Comment: This variant is classified as benign based on ACMG/AMP sequence variant interpretation guidelines (Richards et al. 2015 PMID: 25741868, with internal and published modifications).

NEI Ophthalmic Genomics Laboratory, National Institutes of Health
No classification provided. Review status: no classification provided. Collection method: not provided. Allele origin: not provided. Not counted in ClinVar's aggregate classification.